The following is an entry in ClinVar:

ClinVar aggregate classification (germline): Likely pathogenic (1 of 4 stars; one submission).

Allele frequency attached by ClinVar (database versions not stated): gnomAD exomes below 0.00001.

Submission:

GeneDx
Classification: Likely pathogenic. Last evaluated: 2016-09-01. Review status: criteria provided, single submitter. Criteria: GeneDx Variant Classification (06012015). Collection method: clinical testing. Allele origin: germline. Affected: yes.
Comment: The W596X variant in the HSPG2 gene has not been reported previously as a pathogenic variant nor as a benign variant, to our knowledge. This variant is predicted to cause loss of normal protein function either through protein truncation or nonsense-mediated mRNA decay. The W596X variant was not observed in approximately 6,500 individuals of European and African American ancestry in the NHLBI Exome Sequencing Project, indicating it is not a common benign variant in these populations. We interpret W596X as a likely pathogenic variant.

NM_005529.7(HSPG2):c.1788G>A (p.Trp596Ter)

Gene: HSPG2 (heparan sulfate proteoglycan 2; minus strand). Cytogenetic location: 1p36.12.
Variant type: single nucleotide variant.
Coding change: c.1788G>A on transcript NM_005529.7 (MANE Select); coding-DNA position 1788, G replaced by A.
Protein change: p.Trp596Ter; replaces tryptophan 596 with a stop codon.
Molecular consequence: nonsense.
Genome position (GRCh38, 1-based): chr1:21,881,369, C>T on the plus strand (G>A on the coding strand, the complement: HSPG2 is on the minus strand). VCF-style: chr1-21881369-C-T. GRCh37 (hg19) VCF-style: chr1-22207862-C-T.
Other names: c.1791G>A, p.Trp597Ter (NM_001291860.2); short protein forms W596*, W597*.
Identifiers: ClinVar variation 422084 (VCV000422084.2), dbSNP rs1064795546, ClinGen allele CA16617066.